The following is an entry in ClinVar:

NM_001387777.1(TNS1):c.980-10A>T

Gene: TNS1 (tensin 1; minus strand). Cytogenetic location: 2q35.
Variant type: single nucleotide variant.
Coding change: c.980-10A>T on transcript NM_001387777.1 (MANE Select); 10 bases into the intron before coding-DNA position 980, A replaced by T.
Molecular consequence: intron variant.
Genome position (GRCh38, 1-based): chr2:217,886,114, T>A on the plus strand (A>T on the coding strand, the complement: TNS1 is on the minus strand). VCF-style: chr2-217886114-T-A. GRCh37 (hg19) VCF-style: chr2-218750837-T-A.
Other names: c.605-10A>T (NM_001308023.2, NM_022648.7, NM_001308022.2).
Identifiers: ClinVar variation 3352217 (VCV003352217.1).

ClinVar aggregate classification (germline): Likely benign (0 of 4 stars; one submission).

Conditions:
TNS1-related disorder. Also called: TNS1-related condition.

gnomAD v4.1: 9 of 1,609,824 alleles (0.00056%); highest among the groups gnomAD compares: African/African-American, 0.0095%; no homozygotes.

Submission:

PreventionGenetics, part of Exact Sciences
Classification: Likely benign for TNS1-related condition. Last evaluated: 2019-06-17. Review status: no assertion criteria provided. Collection method: clinical testing. Allele origin: germline.
Comment: This variant is classified as likely benign based on ACMG/AMP sequence variant interpretation guidelines (Richards et al. 2015 PMID: 25741868, with internal and published modifications).